The following is an entry in ClinVar:

ClinVar aggregate classification (germline): Uncertain significance (0 of 4 stars; one submission).

Conditions:
TBX3-related disorder. Also called: TBX3-related condition.

gnomAD v4.1: 33 of 1,613,932 alleles (0.002%); highest among the groups gnomAD compares: Non-Finnish European, 0.0025%; no homozygotes.

Submission:

PreventionGenetics, part of Exact Sciences
Classification: Uncertain significance for TBX3-related condition. Last evaluated: 2024-03-05. Review status: no assertion criteria provided. Collection method: clinical testing. Allele origin: germline.
Comment: The TBX3 c.563C>T variant is predicted to result in the amino acid substitution p.Pro188Leu. To our knowledge, this variant has not been reported in the literature. This variant is reported in 0.0031% of alleles in individuals of European (Non-Finnish) descent in gnomAD. At this time, the clinical significance of this variant is uncertain due to the absence of conclusive functional and genetic evidence.

NM_005996.4(TBX3):c.563C>T (p.Pro188Leu)

Gene: TBX3 (T-box transcription factor 3; minus strand). Cytogenetic location: 12q24.21.
Variant type: single nucleotide variant.
Coding change: c.563C>T on transcript NM_005996.4 (MANE Select); coding-DNA position 563, C replaced by T.
Protein change: p.Pro188Leu; replaces proline 188 with leucine.
Molecular consequence: missense variant.
Genome position (GRCh38, 1-based): chr12:114,680,973, G>A on the plus strand (C>T on the coding strand, the complement: TBX3 is on the minus strand). VCF-style: chr12-114680973-G-A. GRCh37 (hg19) VCF-style: chr12-115118778-G-A.
Other names: c.563C>T, p.Pro188Leu (NM_016569.4); short protein forms P188L.
Identifiers: ClinVar variation 3352646 (VCV003352646.1).